The following is an entry in ClinVar:

ClinVar aggregate classification (germline): Uncertain significance. Review status: criteria provided, multiple submitters, no conflicts (2 of 4 stars). 7 submissions from 7 submitters: Uncertain significance (7). Last evaluated 2026-02-23.

Conditions:
Cardiovascular phenotype. Identifiers: MedGen CN230736.
Hypertrophic cardiomyopathy 4. Also called: Familial hypertrophic cardiomyopathy 4. Identifiers: MedGen C1861862, MONDO:0007268, OMIM 115197.
Left ventricular noncompaction 10 (LVNC10). Identifiers: Orphanet 154, Orphanet 54260, MedGen C3715165, MONDO:0014163, OMIM 615396.
Cardiomyopathy (CMYO). Also called: Cardiomyopathies. Identifiers: Orphanet 167848, MedGen C0878544, MONDO:0004994, HP:0001638. Inheritance: Various modes of inheritance.
Hypertrophic cardiomyopathy. Also called: HYPERTROPHIC MYOCARDIOPATHY. Identifiers: Orphanet 217569, MedGen C0007194, MeSH D002312, MONDO:0005045, HP:0001639.

Allele frequency attached by ClinVar (database versions not stated): ExAC 0.00003; TOPMed 0.00003.

Submissions (7):

Ambry Genetics
Classification: Uncertain significance for Cardiovascular phenotype. Last evaluated: 2026-02-23. Review status: criteria provided, single submitter. Criteria: Ambry Variant Classification Scheme 2023. Collection method: clinical testing. Allele origin: germline.

Labcorp Genetics (formerly Invitae), Labcorp
Classification: Uncertain significance for Hypertrophic cardiomyopathy. Last evaluated: 2025-11-18. Review status: criteria provided, single submitter. Criteria: Invitae Variant Classification Sherloc (09022015). Collection method: clinical testing. Allele origin: germline.
Comment: This sequence change replaces alanine, which is neutral and non-polar, with threonine, which is neutral and polar, at codon 80 of the MYBPC3 protein (p.Ala80Thr). The frequency data for this variant in the population databases is considered unreliable, as metrics indicate poor data quality at this position in the gnomAD database. This missense change has been observed in individual(s) with hypertrophic cardiomyopathy (PMID: 35626289, 37652022). ClinVar contains an entry for this variant (Variation ID: 181134). An algorithm developed to predict the effect of missense changes on protein structure and function (PolyPhen-2) suggests that this variant is likely to be disruptive. In summary, the available evidence is currently insufficient to determine the role of this variant in disease. Therefore, it has been classified as a Variant of Uncertain Significance.

Women's Health and Genetics/Laboratory Corporation of America, LabCorp
Classification: Uncertain significance. Last evaluated: 2025-11-04. Review status: criteria provided, single submitter. Criteria: LabCorp Variant Classification Summary - May 2015. Collection method: clinical testing. Allele origin: germline.
Comment: Variant summary: MYBPC3 c.238G>A (p.Ala80Thr) results in a non-conservative amino acid change in the encoded protein sequence. Algorithms developed to predict the effect of missense changes on protein structure and function are either unavailable or do not agree on the potential impact of this missense change. The variant allele was found at a frequency of 5.7e-06 in 1569720 control chromosomes. The available data on variant occurrences in the general population are insufficient to allow any conclusion about variant significance. c.238G>A has been observed in individual(s) affected with Hypertrophic Cardiomyopathy (Sepp_2022) without evidence for causality. These report(s) do not provide unequivocal conclusions about association of the variant with Dilated Cardiomyopathy. To our knowledge, no experimental evidence demonstrating an impact on protein function has been reported. The following publication have been ascertained in the context of this evaluation (PMID: 35626289). ClinVar contains an entry for this variant (Variation ID: 181134). Based on the evidence outlined above, the variant was classified as uncertain significance.

GeneDx
Classification: Uncertain significance. Last evaluated: 2024-08-19. Review status: criteria provided, single submitter. Criteria: GeneDx Variant Classification Process June 2021. Collection method: clinical testing. Allele origin: germline. Affected: yes.
Comment: Identified in patients with HCM in published literature (PMID: 37652022, 35626289); Not observed at significant frequency in large population cohorts (gnomAD); In silico analysis indicates that this missense variant does not alter protein structure/function; This variant is associated with the following publications: (PMID: 37652022, 35626289)

All of Us Research Program, National Institutes of Health
Classification: Uncertain significance for Hypertrophic cardiomyopathy. Last evaluated: 2023-09-05. Review status: criteria provided, single submitter. Criteria: ACMG Guidelines, 2015. Collection method: clinical testing. Allele origin: germline. Inheritance: Autosomal dominant inheritance. Observed: 1 variant allele, 1 heterozygote.
Comment: This missense variant replaces alanine with threonine at codon 80 of the MYBPC3 protein. Computational prediction tool suggests that this variant may not impact protein structure and function (internally defined REVEL score threshold <=0.5, PMID: 27666373). Splice site prediction tools suggest that this variant may not impact RNA splicing. To our knowledge, functional studies have not been performed for this variant. This variant has not been reported in individuals affected with cardiovascular disorders in the literature. This variant has not been identified in the general population by the Genome Aggregation Database (gnomAD). The available evidence is insufficient to determine the role of this variant in disease conclusively. Therefore, this variant is classified as a Variant of Uncertain Significance.

This study involves interpretation of variants in research participants for the purpose of population health screening. Participant phenotype was not available at the time of variant classification. Additional details can be found in publication PMID: 35346344, PMCID: PMC8962531

Fulgent Genetics
Classification: Uncertain significance for Hypertrophic cardiomyopathy 4; Left ventricular noncompaction 10. Last evaluated: 2021-08-12. Review status: criteria provided, single submitter. Criteria: ACMG Guidelines, 2015. Collection method: clinical testing. Allele origin: unknown.

Color Diagnostics, LLC DBA Color Health
Classification: Uncertain significance for Cardiomyopathy. Last evaluated: 2019-11-05. Review status: criteria provided, single submitter. Criteria: ACMG Guidelines, 2015. Collection method: clinical testing. Allele origin: germline.
Comment: This missense variant replaces alanine with threonine at codon 80 of the MYBPC3 protein. Computational prediction tool suggests that this variant may not impact protein structure and function (internally defined REVEL score threshold ≤0.5, PMID: 27666373). Splice site prediction tools suggest that this variant may not impact RNA splicing. To our knowledge, functional studies have not been performed for this variant. This variant has not been reported in individuals affected with cardiovascular disorders in the literature. This variant has not been identified in the general population by the Genome Aggregation Database (gnomAD). The available evidence is insufficient to determine the role of this variant in disease conclusively. Therefore, this variant is classified as a Variant of Uncertain Significance.

Literature cited by the submitters: PubMed 35626289 (cited by Labcorp Genetics (formerly Invitae), Labcorp and Women's Health and Genetics/Laboratory Corporation of America, LabCorp); PubMed 37652022 (cited by Labcorp Genetics (formerly Invitae), Labcorp).

NM_000256.3(MYBPC3):c.238G>A (p.Ala80Thr)

Gene: MYBPC3 (myosin binding protein C3; minus strand). Cytogenetic location: 11p11.2.
Variant type: single nucleotide variant.
Coding change: c.238G>A on transcript NM_000256.3 (MANE Select); coding-DNA position 238, G replaced by A.
Protein change: p.Ala80Thr; replaces alanine 80 with threonine.
Molecular consequence: missense variant.
Genome position (GRCh38, 1-based): chr11:47,351,293, C>T on the plus strand (G>A on the coding strand, the complement: MYBPC3 is on the minus strand). VCF-style: chr11-47351293-C-T. GRCh37 (hg19) VCF-style: chr11-47372844-C-T.
Other names: p.A80T:GCA>ACA; c.238G>A, p.Ala80Thr (LRG_386t1); short protein forms A80T.
Identifiers: ClinVar variation 181134 (VCV000181134.17), dbSNP rs730880700, ClinGen allele CA012189.